The following is an entry in ClinVar:

NM_000089.4(COL1A2):c.2349+6T>C

Gene: COL1A2 (collagen type I alpha 2 chain; plus strand). Cytogenetic location: 7q21.3.
Variant type: single nucleotide variant.
Coding change: c.2349+6T>C on transcript NM_000089.4 (MANE Select); 6 bases into the intron after coding-DNA position 2349, T replaced by C.
Molecular consequence: intron variant.
Genome position (GRCh38, 1-based): chr7:94,421,068, T>C. VCF-style: chr7-94421068-T-C. GRCh37 (hg19) VCF-style: chr7-94050380-T-C.
Identifiers: ClinVar variation 4876707 (VCV004876707.1).

ClinVar aggregate classification (germline): Likely pathogenic (1 of 4 stars; one submission).

Conditions:
Ehlers-Danlos syndrome, cardiac valvular type. Identifiers: Orphanet 230851, MedGen C4303789, MONDO:0009159, OMIM 225320.

gnomAD v4.1: 1 of 1,614,052 alleles (0.000062%); highest among the groups gnomAD compares: Non-Finnish European, 0.000085%; no homozygotes.

Submission:

Laboratory of Functional Genomics, Research Centre for Medical Genetics
Classification: Likely pathogenic for Ehlers-Danlos syndrome, cardiac valvular type. Last evaluated: 2026-06-10. Review status: criteria provided, single submitter. Criteria: ACMG Guidelines, 2015. Collection method: clinical testing. Allele origin: germline. Inheritance: Autosomal recessive inheritance. Affected: no.
Comment: It is present in gnomAD v4.1.1 in only a single heterozygous individual, and SpliceAI predicts activation of a cryptic donor splice site with elongation of exon 38 by 204 nucleotides. RNA analysis on fibroblasts using deep targeted long‑read sequencing, combined with nonsense‑mediated decay inhibition by cycloheximide, demonstrated that this variant leads to multiple aberrant splicing events, all introducing premature termination codons. The major event is retention of a 204‑bp intronic fragment, elongating exon 38 and introducing a premature termination codon (p.(Gly784Valfs*33)); several minor aberrant isoforms with premature termination codons were also observed. The proportion of aberrant transcripts increased following cycloheximide treatment, confirming nonsense‑mediated decay. These findings were further supported by minigene assays, which confirmed the same aberrant splicing pattern. Based on these data, the variant is classified as loss‑of‑function.